The following is an entry in ClinVar:

NM_001128840.3(CACNA1D):c.881T>G (p.Ile294Ser)

Gene: CACNA1D (calcium voltage-gated channel subunit alpha1 D; plus strand). Cytogenetic location: 3p21.1.
Variant type: single nucleotide variant.
Coding change: c.881T>G on transcript NM_001128840.3 (MANE Select); coding-DNA position 881, T replaced by G.
Protein change: p.Ile294Ser; replaces isoleucine 294 with serine.
Molecular consequence: missense variant.
Genome position (GRCh38, 1-based): chr3:53,665,774, T>G. VCF-style: chr3-53665774-T-G. GRCh37 (hg19) VCF-style: chr3-53699801-T-G.
Other names: c.881T>G, p.Ile294Ser (NM_000720.4, NM_001128839.3); short protein forms I294S.
Identifiers: ClinVar variation 4795351 (VCV004795351.1).

ClinVar aggregate classification (germline): Uncertain significance (1 of 4 stars; one submission).

Submission:

GeneDx
Classification: Uncertain significance. Last evaluated: 2025-08-15. Review status: criteria provided, single submitter. Criteria: GeneDx Variant Classification Process June 2021. Collection method: clinical testing. Allele origin: germline. Affected: yes.
Comment: Not observed at significant frequency in large population cohorts (gnomAD); In silico analysis supports that this missense variant has a deleterious effect on protein structure/function; Has not been previously published as pathogenic or benign to our knowledge